The following is an entry in ClinVar:

ClinVar aggregate classification (germline): Benign. Review status: criteria provided, multiple submitters, no conflicts (2 of 4 stars). 12 submissions from 12 submitters: Benign (9). 3 of the submissions do not count toward it. Last evaluated 2026-06-12.

Conditions:
Usher syndrome type 2C. Also called: Usher syndrome, type 2B; USHER SYNDROME, TYPE IIC. Identifiers: Orphanet 231178, Orphanet 886, MedGen C2931213, MONDO:0011558, OMIM 605472.

Allele frequency attached by ClinVar (database versions not stated): ESP Exome Variant Server 0.93612; 1000 Genomes Project 0.94609; gnomAD 0.93517 and 0.93887; 1000 Genomes Project 30x 0.94519; ExAC 0.96857; gnomAD exomes 0.97374 and 0.96957; TOPMed 0.93183.
gnomAD v4.1: 1,564,242 of 1,612,382 alleles (97%); highest among the groups gnomAD compares: East Asian, 100%; 759,533 homozygotes.

Submissions (12):

Women's Health and Genetics/Laboratory Corporation of America, LabCorp
Classification: Benign. Last evaluated: 2026-06-12. Review status: criteria provided, single submitter. Criteria: LabCorp Variant Classification Summary - May 2015. Collection method: clinical testing. Allele origin: germline.

Labcorp Genetics (formerly Invitae), Labcorp
Classification: Benign. Last evaluated: 2026-02-04. Review status: criteria provided, single submitter. Criteria: Invitae Variant Classification Sherloc (09022015). Collection method: clinical testing. Allele origin: germline.

Genome-Nilou Lab
Classification: Benign for Usher syndrome type 2C. Last evaluated: 2021-08-10. Review status: criteria provided, single submitter. Criteria: ACMG Guidelines, 2015. Collection method: clinical testing. Allele origin: germline. Affected: no.

Mayo Clinic Laboratories, Mayo Clinic
Classification: Benign. Last evaluated: 2019-05-14. Review status: criteria provided, single submitter. Criteria: ACMG Guidelines, 2015. Collection method: clinical testing. Allele origin: germline. Observed: 159 variant alleles.

Illumina Laboratory Services, Illumina
Classification: Benign for Usher syndrome type 2C. Last evaluated: 2018-01-13. Review status: criteria provided, single submitter. Criteria: ICSL Variant Classification Criteria 13 December 2019. Collection method: clinical testing. Allele origin: germline.
Comment: This variant was observed in the ICSL laboratory as part of a predisposition screen in an ostensibly healthy population. It had not been previously curated by ICSL or reported in the Human Gene Mutation Database (HGMD: prior to June 1st, 2018), and was therefore a candidate for classification through an automated scoring system. Utilizing variant allele frequency, disease prevalence and penetrance estimates, and inheritance mode, an automated score was calculated to assess if this variant is too frequent to cause the disease. Based on the score and internal cut-off values, a variant classified as benign is not then subjected to further curation. The score for this variant resulted in a classification of benign for this disease.

GeneDx
Classification: Benign. Last evaluated: 2015-03-03. Review status: criteria provided, single submitter. Criteria: GeneDx Variant Classification Process June 2021. Collection method: clinical testing. Allele origin: germline. Affected: yes.

Eurofins Ntd Llc (ga)
Classification: Benign. Last evaluated: 2013-03-06. Review status: criteria provided, single submitter. Criteria: EGL Classification Definitions 2015. Collection method: clinical testing. Allele origin: germline. Observed: 5 variant alleles, 5 homozygotes.

Laboratory for Molecular Medicine, Mass General Brigham Personalized Medicine
Classification: Benign. Last evaluated: 2012-02-02. Review status: criteria provided, single submitter. Criteria: LMM Criteria. Collection method: clinical testing. Allele origin: germline. Observed: 1,784 variant alleles.
Comment: Caucasian frequency = 6466/6644 (ESP data)

PreventionGenetics, part of Exact Sciences
Classification: Benign. Review status: criteria provided, single submitter. Criteria: ACMG Guidelines, 2015. Collection method: clinical testing. Allele origin: germline.

Diagnostic Laboratory, Department of Genetics, University Medical Center Groningen
Classification: Benign. Review status: no assertion criteria provided. Collection method: clinical testing. Allele origin: germline. Affected: yes. Study: VKGL Data-share Consensus. Not counted in ClinVar's aggregate classification.

Genetic Services Laboratory, University of Chicago
Classification: Likely benign. Review status: no assertion criteria provided. Collection method: clinical testing. Allele origin: germline. Inheritance: Autosomal dominant inheritance. Not counted in ClinVar's aggregate classification.
Comment: Likely benign based on allele frequency in 1000 Genomes Project or ESP global frequency and its presence in a patient with a rare or unrelated disease phenotype. NOT Sanger confirmed

Joint Genome Diagnostic Labs from Nijmegen and Maastricht, Radboudumc and MUMC+
Classification: Benign. Review status: no assertion criteria provided. Collection method: clinical testing. Allele origin: germline. Affected: yes. Study: VKGL Data-share Consensus. Not counted in ClinVar's aggregate classification.

NM_032119.4(ADGRV1):c.16031A>G (p.Glu5344Gly)

Gene: ADGRV1 (adhesion G protein-coupled receptor V1; plus strand). Cytogenetic location: 5q14.3.
Variant type: single nucleotide variant.
Coding change: c.16031A>G on transcript NM_032119.4 (MANE Select); coding-DNA position 16031, A replaced by G.
Protein change: p.Glu5344Gly; replaces glutamic acid 5344 with glycine.
Molecular consequence: missense variant. On other transcripts: non-coding transcript variant (1).
Genome position (GRCh38, 1-based): chr5:90,811,291, A>G. VCF-style: chr5-90811291-A-G. GRCh37 (hg19) VCF-style: chr5-90107108-A-G.
Other names: short protein forms E5344G.
Identifiers: ClinVar variation 46282 (VCV000046282.34), dbSNP rs2438374, ClinGen allele CA138051.